The following is an entry in ClinVar:

NM_004628.5(XPC):c.2250+1G>A

Gene: XPC (XPC complex subunit, DNA damage recognition and repair factor; minus strand). Cytogenetic location: 3p25.1.
Variant type: single nucleotide variant.
Coding change: c.2250+1G>A on transcript NM_004628.5 (MANE Select); the canonical splice donor site of the intron after coding-DNA position 2250, G replaced by A.
Molecular consequence: splice donor variant.
Genome position (GRCh38, 1-based): chr3:14,148,813, C>T on the plus strand (G>A on the coding strand, the complement: XPC is on the minus strand). VCF-style: chr3-14148813-C-T. GRCh37 (hg19) VCF-style: chr3-14190313-C-T.
Other names: c.2232+1G>A (NM_001354729.2); c.1671+1G>A (NM_001354726.2); c.2004+1G>A (NM_001354730.2); c.2244+1G>A (NM_001354727.2).
Identifiers: ClinVar variation 1342722 (VCV001342722.4), dbSNP rs746319045, ClinGen allele CA2267223.

ClinVar aggregate classification (germline): Pathogenic. Review status: criteria provided, single submitter (1 of 4 stars). 2 submissions from 2 submitters: Pathogenic (1). 1 of the submissions does not count toward it. Last evaluated 2022-03-04.

Conditions:
Xeroderma pigmentosum, group C (XPC). Also called: XERODERMA PIGMENTOSUM III; XP, GROUP C; XPC-Related Xeroderma Pigmentosum; Xeroderma pigmentosum, complementation group C. Identifiers: Orphanet 910, MedGen C2752147, MONDO:0010211, OMIM 278720.

Allele frequency attached by ClinVar (database versions not stated): ExAC 0.00001.

Submissions (2):

Illumina Laboratory Services, Illumina
Classification: Pathogenic for Xeroderma pigmentosum, group C. Last evaluated: 2022-03-04. Review status: criteria provided, single submitter. Criteria: ICSLVariantClassificationCriteria RUGD 01 April 2020. Collection method: clinical testing. Allele origin: unknown.
Comment: The XPC c.2250+1G>A variant results in a substitution at the consensus splice donor site, which is predicted to result in splicing defects that may lead to a truncated protein. To our knowledge, this variant has not been reported in the peer-reviewed literature. This variant is reported in the Genome Aggregation Database in one allele at a frequency of 0.000033 in the South Asian population (version 3.1.2). Based on the available evidence, the c.2250+1G>A variant is classified as pathogenic for xeroderma pigmentosum.

Hacettepe Pediatric Genetics Laboratory, Hacettepe University
Classification: Pathogenic for Xeroderma pigmentosum, group C. Last evaluated: 2022-02-25. Review status: no assertion criteria provided. Collection method: clinical testing. Allele origin: germline. Inheritance: Autosomal recessive inheritance. Affected: no and yes. Observed: 2 variant alleles, 2 heterozygotes, 1 homozygote. Not counted in ClinVar's aggregate classification.
Comment: The variant detected in homozygous state in the XPC gene, c.2250+1G>A, is a splice site mutation (splice donor site mutation). It is associated with the phenotype called "Xeroderma pigmentosum, group C". It has not been reported in ClinVar before, and it is suggested to be a pathogenic variant. This variant was neither found in ExAC nor 1000G. This change was classified as “pathogenic” according to the ACMG guidelines and predicted to be disease causing by in silico analysis such as MutationTaster.

Literature cited by the submitters: PMC 10766188 (cited by Hacettepe Pediatric Genetics Laboratory, Hacettepe University).